The following is an entry in ClinVar:

ClinVar aggregate classification (germline): Uncertain significance (1 of 4 stars; one submission).

Conditions:
Kleefstra syndrome 1 (KLEFS1). Identifiers: Orphanet 261494, MedGen C0795833, MONDO:0027407, OMIM 610253.

Submission:

Labcorp Genetics (formerly Invitae), Labcorp
Classification: Uncertain significance for Kleefstra syndrome 1. Last evaluated: 2023-06-24. Review status: criteria provided, single submitter. Criteria: Invitae Variant Classification Sherloc (09022015). Collection method: clinical testing. Allele origin: germline.
Comment: This variant results in a copy number gain of the genomic region encompassing exon(s) 2-27 of the EHMT1 gene. This region includes the termination codon of the gene. This copy number gain extends beyond the assayed region for this gene and therefore may encompass additional genes. As the precise location of this event is unknown, it may be in tandem or it may be located elsewhere in the genome. This variant has not been reported in the literature in individuals affected with EHMT1-related conditions. In summary, the available evidence is currently insufficient to determine the role of this variant in disease. Therefore, it has been classified as a Variant of Uncertain Significance. Experimental studies and prediction algorithms are not available or were not evaluated, and the functional significance of this variant is currently unknown.

NC_000009.11:g.(?_140605399)_(140729405_?)dup

Genes: EHMT1 (euchromatic histone lysine methyltransferase 1; plus strand), LOC651337 (uncharacterized LOC651337; minus strand). Cytogenetic location: 9q34.3.
Variant type: Duplication.
Identifiers: ClinVar variation 2426884 (VCV002426884.5).